The following is an entry in ClinVar:

NM_001330311.2(DVL1):c.708C>T (p.Ser236=)

Gene: DVL1 (dishevelled segment polarity protein 1; minus strand). Cytogenetic location: 1p36.33.
Variant type: single nucleotide variant.
Coding change: c.708C>T on transcript NM_001330311.2 (MANE Select); coding-DNA position 708, C replaced by T.
Protein change: p.Ser236=; no amino-acid change (serine 236 retained).
Molecular consequence: synonymous variant.
Genome position (GRCh38, 1-based): chr1:1,340,308, G>A on the plus strand (C>T on the coding strand, the complement: DVL1 is on the minus strand). VCF-style: chr1-1340308-G-A. GRCh37 (hg19) VCF-style: chr1-1275688-G-A.
Other names: c.708C>T, p.Ser236= (NM_004421.3).
Identifiers: ClinVar variation 782835 (VCV000782835.13), dbSNP rs139844875, ClinGen allele CA520468.

ClinVar aggregate classification (germline): Benign. Review status: criteria provided, multiple submitters, no conflicts (2 of 4 stars). 4 submissions from 4 submitters: Benign (3). 1 of the submissions does not count toward it. Last evaluated 2025-11-06.

Conditions:
DVL1-related disorder. Also called: DVL1-related condition.

Allele frequency attached by ClinVar (database versions not stated): gnomAD exomes 0.00013 and 0.00040; ExAC 0.00045; 1000 Genomes Project 0.00100; 1000 Genomes Project 30x 0.00125; gnomAD 0.00141 and 0.00156; ESP Exome Variant Server 0.00177; TOPMed 0.00182.

Submissions (4):

Labcorp Genetics (formerly Invitae), Labcorp
Classification: Benign. Last evaluated: 2025-11-06. Review status: criteria provided, single submitter. Criteria: Invitae Variant Classification Sherloc (09022015). Collection method: clinical testing. Allele origin: germline.

Blueprint Genetics
Classification: Benign. Last evaluated: 2024-02-19. Review status: criteria provided, single submitter. Criteria: ACMG Guidelines, 2015. Collection method: clinical testing. Allele origin: germline.

Breakthrough Genomics
Classification: Benign. Review status: criteria provided, single submitter. Criteria: ACMG Guidelines, 2015. Collection method: not provided. Allele origin: germline. Inheritance: Autosomal dominant inheritance. Affected: yes.

PreventionGenetics, part of Exact Sciences
Classification: Likely benign for DVL1-related condition. Last evaluated: 2024-07-13. Review status: no assertion criteria provided. Collection method: clinical testing. Allele origin: germline. Not counted in ClinVar's aggregate classification.
Comment: This variant is classified as likely benign based on ACMG/AMP sequence variant interpretation guidelines (Richards et al. 2015 PMID: 25741868, with internal and published modifications).